The following is an entry in ClinVar:

ClinVar aggregate classification (germline): not provided (0 of 4 stars; one submission).

Allele frequency attached by ClinVar (database versions not stated): gnomAD 0.00001; gnomAD exomes 0.00001 and 0.00003; TOPMed 0.00001.
gnomAD v4.1: 40 of 1,611,924 alleles (0.0025%); highest among the groups gnomAD compares: Middle Eastern, 0.066%; no homozygotes.

Submission:

ITMI
No classification provided. Condition: AllHighlyPenetrant. Last evaluated: 2013-09-19. Review status: no classification provided. Collection method: reference population. Allele origin: germline.
Comment: Please see associated publication for description of ethnicities

Literature cited by the submitters: PubMed 24728327.

NM_144997.7(FLCN):c.396+55G>T

Gene: FLCN (folliculin; minus strand). Cytogenetic location: 17p11.2.
Variant type: single nucleotide variant.
Coding change: c.396+55G>T on transcript NM_144997.7 (MANE Select); 55 bases into the intron after coding-DNA position 396, G replaced by T.
Molecular consequence: intron variant.
Genome position (GRCh38, 1-based): chr17:17,226,121, C>A on the plus strand (G>T on the coding strand, the complement: FLCN is on the minus strand). VCF-style: chr17-17226121-C-A. GRCh37 (hg19) VCF-style: chr17-17129435-C-A.
Other names: c.396+55G>T (NM_001353231.2, NM_001353230.2, NM_001353229.2 and 1 more transcripts).
Identifiers: ClinVar variation 133349 (VCV000133349.1), dbSNP rs587777930, ClinGen allele CA156439.